The following is an entry in ClinVar:

NM_001709.5(BDNF):c.36C>A (p.Tyr12Ter)

Genes: BDNF (brain derived neurotrophic factor; minus strand), BDNF-AS (BDNF antisense RNA; plus strand). Cytogenetic location: 11p14.1.
Variant type: single nucleotide variant.
Coding change: c.36C>A on transcript NM_001709.5 (MANE Select); coding-DNA position 36, C replaced by A.
Protein change: p.Tyr12Ter; replaces tyrosine 12 with a stop codon.
Molecular consequence: nonsense.
Genome position (GRCh38, 1-based): chr11:27,658,529, G>T on the plus strand (C>A on the coding strand, the complement: BDNF is on the minus strand). VCF-style: chr11-27658529-G-T. GRCh37 (hg19) VCF-style: chr11-27680076-G-T.
Other names: c.36C>A, p.Tyr12Ter (NM_001143805.1, NM_001143806.1, NM_001143807.2 and 9 more transcripts); c.123C>A, p.Tyr41Ter (NM_001143809.2); c.282C>A, p.Tyr94Ter (NM_001143810.2); c.60C>A, p.Tyr20Ter (NM_170731.5); c.81C>A, p.Tyr27Ter (NM_170734.4); short protein forms Y12*, Y20*, Y27*, Y41*, Y94*.
Identifiers: ClinVar variation 3356728 (VCV003356728.1).

ClinVar aggregate classification (germline): Uncertain significance (0 of 4 stars; one submission).

Conditions:
BDNF-related disorder. Also called: BDNF-related condition.

Submission:

PreventionGenetics, part of Exact Sciences
Classification: Uncertain significance for BDNF-related condition. Last evaluated: 2024-02-12. Review status: no assertion criteria provided. Collection method: clinical testing. Allele origin: germline.
Comment: The BDNF c.282C>A variant is predicted to result in premature protein termination (p.Tyr94*). This variant can also be referred to as c.36C>A (p.Tyr12*) using an alternative transcript (NM_170735). To our knowledge, this variant has not been reported in the literature or in a large population database, indicating this variant is rare. Although we suspect that this variant may be pathogenic, at this time, the clinical significance of this variant is uncertain due to the absence of conclusive functional and genetic evidence.